The following is an entry in ClinVar:

NM_001369.3(DNAH5):c.4469C>T (p.Ala1490Val)

Genes: DNAH5 (dynein axonemal heavy chain 5; minus strand), DNAH5-AS1 (DNAH5 antisense RNA 1; plus strand). Cytogenetic location: 5p15.2.
Variant type: single nucleotide variant.
Coding change: c.4469C>T on transcript NM_001369.3 (MANE Select); coding-DNA position 4469, C replaced by T.
Protein change: p.Ala1490Val; replaces alanine 1490 with valine.
Molecular consequence: missense variant.
Genome position (GRCh38, 1-based): chr5:13,864,524, G>A on the plus strand (C>T on the coding strand, the complement: DNAH5 is on the minus strand). VCF-style: chr5-13864524-G-A. GRCh37 (hg19) VCF-style: chr5-13864633-G-A.
Other names: short protein forms A1490V.
Identifiers: ClinVar variation 1386835 (VCV001386835.3), dbSNP rs1768942005, ClinGen allele CA359224129.
Genomic context (GRCh38, chr5:13,864,524, plus strand): 5'-CCCACATCCAGACTGTGCCCGGTGAGGGTGGTTATCCTTTCCCAGTGCCGCTCCATCATG[G>A]CTTTACTGGCCATGTATTCCAGCAGCGGGCAACACTCGCTGAAATCATCAATGATCTTCT-3'
Protein context (NP_001360.1, residues 1480-1500): CPLLEYMASK[Ala1490Val]MMERHWERIT

ClinVar aggregate classification (germline): Uncertain significance (1 of 4 stars; one submission).

Conditions:
Primary ciliary dyskinesia. Also called: Ciliary dyskinesia. Identifiers: Orphanet 244, MedGen C0008780, MONDO:0016575, HP:0012265.

gnomAD v4.1: 1 of 1,614,038 alleles (0.000062%); no homozygotes.

Submission:

Labcorp Genetics (formerly Invitae), Labcorp
Classification: Uncertain significance for Primary ciliary dyskinesia. Last evaluated: 2021-10-14. Review status: criteria provided, single submitter. Criteria: Invitae Variant Classification Sherloc (09022015). Collection method: clinical testing. Allele origin: germline.
Comment: This sequence change replaces alanine with valine at codon 1490 of the DNAH5 protein (p.Ala1490Val). The alanine residue is moderately conserved and there is a small physicochemical difference between alanine and valine. This variant is not present in population databases (ExAC no frequency). This variant has not been reported in the literature in individuals affected with DNAH5-related conditions. Algorithms developed to predict the effect of missense changes on protein structure and function (SIFT, PolyPhen-2, Align-GVGD) all suggest that this variant is likely to be tolerated. In summary, the available evidence is currently insufficient to determine the role of this variant in disease. Therefore, it has been classified as a Variant of Uncertain Significance.